The following is an entry in ClinVar:

ClinVar aggregate classification (germline): Uncertain significance (1 of 4 stars; one submission).

Allele frequency attached by ClinVar (database versions not stated): gnomAD exomes below 0.00001; TOPMed 0.00001; ExAC 0.00005.
gnomAD v4.1: 4 of 1,586,924 alleles (0.00025%); highest among the groups gnomAD compares: East Asian, 0.0023%; no homozygotes.

Submission:

Labcorp Genetics (formerly Invitae), Labcorp
Classification: Uncertain significance. Last evaluated: 2024-01-12. Review status: criteria provided, single submitter. Criteria: Invitae Variant Classification Sherloc (09022015). Collection method: clinical testing. Allele origin: germline.
Comment: This sequence change replaces glycine, which is neutral and non-polar, with valine, which is neutral and non-polar, at codon 2124 of the HSPG2 protein (p.Gly2124Val). The frequency data for this variant in the population databases is considered unreliable, as metrics indicate poor data quality at this position in the gnomAD database. This variant has not been reported in the literature in individuals affected with HSPG2-related conditions. An algorithm developed to predict the effect of missense changes on protein structure and function (PolyPhen-2) suggests that this variant is likely to be tolerated. In summary, the available evidence is currently insufficient to determine the role of this variant in disease. Therefore, it has been classified as a Variant of Uncertain Significance.

NM_005529.7(HSPG2):c.6371G>T (p.Gly2124Val)

Gene: HSPG2 (heparan sulfate proteoglycan 2; minus strand). Cytogenetic location: 1p36.12.
Variant type: single nucleotide variant.
Coding change: c.6371G>T on transcript NM_005529.7 (MANE Select); coding-DNA position 6371, G replaced by T.
Protein change: p.Gly2124Val; replaces glycine 2124 with valine.
Molecular consequence: missense variant.
Genome position (GRCh38, 1-based): chr1:21,854,261, C>A on the plus strand (G>T on the coding strand, the complement: HSPG2 is on the minus strand). VCF-style: chr1-21854261-C-A. GRCh37 (hg19) VCF-style: chr1-22180754-C-A.
Other names: c.6374G>T, p.Gly2125Val (NM_001291860.2); short protein forms G2125V, G2124V.
Identifiers: ClinVar variation 2755681 (VCV002755681.3), dbSNP rs749798585, ClinGen allele CA671581.